The following is an entry in ClinVar:

NM_014795.4(ZEB2):c.916+5G>A

Gene: ZEB2 (zinc finger E-box binding homeobox 2; minus strand). Cytogenetic location: 2q22.3.
Variant type: single nucleotide variant.
Coding change: c.916+5G>A on transcript NM_014795.4 (MANE Select); 5 bases into the intron after coding-DNA position 916, G replaced by A.
Molecular consequence: intron variant.
Genome position (GRCh38, 1-based): chr2:144,401,194, C>T on the plus strand (G>A on the coding strand, the complement: ZEB2 is on the minus strand). VCF-style: chr2-144401194-C-T. GRCh37 (hg19) VCF-style: chr2-145158761-C-T.
Other names: c.844+5G>A (NM_001171653.2).
Identifiers: ClinVar variation 945657 (VCV000945657.9), dbSNP rs1703305546, ClinGen allele CA1139657218.

ClinVar aggregate classification (germline): Pathogenic (1 of 4 stars; one submission).

Conditions:
Mowat-Wilson syndrome (MOWS). Also called: Classic Mowat-Wilson Syndrome. Identifiers: Orphanet 2152, MedGen C1856113, MONDO:0009341, OMIM 235730.

Submission:

Labcorp Genetics (formerly Invitae), Labcorp
Classification: Pathogenic for Mowat-Wilson syndrome. Last evaluated: 2019-07-02. Review status: criteria provided, single submitter. Criteria: Invitae Variant Classification Sherloc (09022015). Collection method: clinical testing. Allele origin: germline.
Comment: For these reasons, this variant has been classified as Pathogenic. This variant disrupts the c.916+5G nucleotide in the ZEB2 gene. Other variant(s) that disrupt this nucleotide have been determined to be pathogenic (PMID: 20428734). This suggests that this nucleotide is clinically-significant, and that variants that disrupt this position are likely to be disease-causing. Nucleotide substitutions within the consensus splice site are a relatively common cause of aberrant splicing (PMID: 17576681, 9536098). Algorithms developed to predict the effect of sequence changes on RNA splicing suggest that this variant may disrupt the consensus splice site, but this prediction has not been confirmed by published transcriptional studies. This variant is not present in population databases (ExAC no frequency). This sequence change falls in intron 7 of the ZEB2 gene. It does not directly change the encoded amino acid sequence of the ZEB2 protein, but it affects a nucleotide within the consensus splice site of the intron.

Literature cited by the submitters: PubMed 20428734; PubMed 17576681; PubMed 9536098.